The following is an entry in ClinVar:

NM_024334.3(TMEM43):c.494T>C (p.Ile165Thr)

Gene: TMEM43 (transmembrane protein 43; plus strand). Cytogenetic location: 3p25.1.
Variant type: single nucleotide variant.
Coding change: c.494T>C on transcript NM_024334.3 (MANE Select); coding-DNA position 494, T replaced by C.
Protein change: p.Ile165Thr; replaces isoleucine 165 with threonine.
Molecular consequence: missense variant.
Genome position (GRCh38, 1-based): chr3:14,132,917, T>C. VCF-style: chr3-14132917-T-C. GRCh37 (hg19) VCF-style: chr3-14174417-T-C.
Other names: c.494T>C (NM_024334.2); short protein forms I165T.
Identifiers: ClinVar variation 1498120 (VCV001498120.8), dbSNP rs1339170856, ClinGen allele CA351535214.

ClinVar aggregate classification (germline): Uncertain significance. Review status: criteria provided, multiple submitters, no conflicts (2 of 4 stars). 4 submissions from 4 submitters: Uncertain significance (4). Last evaluated 2026-07-07.

Conditions:
Cardiovascular phenotype. Identifiers: MedGen CN230736.
Cardiomyopathy (CMYO). Also called: Cardiomyopathies. Identifiers: Orphanet 167848, MedGen C0878544, MONDO:0004994, HP:0001638. Inheritance: Various modes of inheritance.
Arrhythmogenic right ventricular dysplasia 5. Also called: Arrhythmogenic Right Ventricular Dysplasia/Cardiomyopathy 5; ARRHYTHMOGENIC RIGHT VENTRICULAR DYSPLASIA, FAMILIAL, 5. Identifiers: MedGen C1858379, MONDO:0011459, OMIM 604400.

Allele frequency attached by ClinVar (database versions not stated): gnomAD 0.00001.

Submissions (4):

Ambry Genetics
Classification: Uncertain significance for Cardiovascular phenotype. Last evaluated: 2026-07-07. Review status: criteria provided, single submitter. Criteria: Ambry Variant Classification Scheme 2023. Collection method: clinical testing. Allele origin: germline.
Comment: The p.I165T variant (also known as c.494T>C), located in coding exon 6 of the TMEM43 gene, results from a T to C substitution at nucleotide position 494. The isoleucine at codon 165 is replaced by threonine, an amino acid with similar properties. This amino acid position is conserved. In addition, the in silico prediction for this alteration is inconclusive. Based on the available evidence, the clinical significance of this variant remains unclear.

Color Diagnostics, LLC DBA Color Health
Classification: Uncertain significance for Cardiomyopathy. Last evaluated: 2025-10-12. Review status: criteria provided, single submitter. Criteria: ACMG Guidelines, 2015. Collection method: clinical testing. Allele origin: germline.
Comment: This missense variant replaces isoleucine with threonine at codon 165 of the TMEM43 protein. Computational prediction suggests that this variant may not impact protein structure and function. To our knowledge, functional studies have not been reported for this variant. This variant has not been reported in individuals affected with TMEM43-related disorders in the literature. This variant has been identified in 1/31370 chromosomes in the general population by the Genome Aggregation Database (gnomAD). The available evidence is insufficient to determine the role of this variant in disease conclusively. Therefore, this variant is classified as a Variant of Uncertain Significance.

All of Us Research Program, National Institutes of Health
Classification: Uncertain significance for Arrhythmogenic right ventricular dysplasia 5. Last evaluated: 2023-03-09. Review status: criteria provided, single submitter. Criteria: ACMG Guidelines, 2015. Collection method: clinical testing. Allele origin: germline. Inheritance: Autosomal dominant inheritance. Observed: 1 variant allele, 1 heterozygote.
Comment: This missense variant replaces isoleucine with threonine at codon 165 of the TMEM43 protein. Computational prediction suggests that this variant may not impact protein structure and function (internally defined REVEL score threshold <= 0.5, PMID: 27666373). To our knowledge, functional studies have not been reported for this variant. This variant has not been reported in individuals affected with TMEM43-related disorders in the literature. This variant has been identified in 1/31370 chromosomes in the general population by the Genome Aggregation Database (gnomAD). The available evidence is insufficient to determine the role of this variant in disease conclusively. Therefore, this variant is classified as a Variant of Uncertain Significance.

This study involves interpretation of variants in research participants for the purpose of population health screening. Participant phenotype was not available at the time of variant classification. Additional details can be found in publication PMID: 35346344, PMCID: PMC8962531

Labcorp Genetics (formerly Invitae), Labcorp
Classification: Uncertain significance for Arrhythmogenic right ventricular dysplasia 5. Last evaluated: 2021-08-27. Review status: criteria provided, single submitter. Criteria: Invitae Variant Classification Sherloc (09022015). Collection method: clinical testing. Allele origin: germline.
Comment: This sequence change replaces isoleucine with threonine at codon 165 of the TMEM43 protein (p.Ile165Thr). The isoleucine residue is moderately conserved and there is a moderate physicochemical difference between isoleucine and threonine. This variant is not present in population databases (ExAC no frequency). This variant has not been reported in the literature in individuals affected with TMEM43-related conditions. Algorithms developed to predict the effect of missense changes on protein structure and function are either unavailable or do not agree on the potential impact of this missense change (SIFT: "Tolerated"; PolyPhen-2: "Probably Damaging"; Align-GVGD: "Class C0"). In summary, the available evidence is currently insufficient to determine the role of this variant in disease. Therefore, it has been classified as a Variant of Uncertain Significance.